The following is an entry in ClinVar:

NM_015021.3(ZNF292):c.873C>T (p.Cys291=)

Gene: ZNF292 (zinc finger protein 292; plus strand). Cytogenetic location: 6q14.3.
Variant type: single nucleotide variant.
Coding change: c.873C>T on transcript NM_015021.3 (MANE Select); coding-DNA position 873, C replaced by T.
Protein change: p.Cys291=; no amino-acid change (cysteine 291 retained).
Molecular consequence: synonymous variant.
Genome position (GRCh38, 1-based): chr6:87,243,606, C>T. VCF-style: chr6-87243606-C-T. GRCh37 (hg19) VCF-style: chr6-87953324-C-T.
Other names: c.453C>T, p.Cys151= (NM_001351444.2).
Identifiers: ClinVar variation 4822227 (VCV004822227.4).

ClinVar aggregate classification (germline): Likely benign (1 of 4 stars; one submission).

gnomAD v4.1: 37 of 1,474,362 alleles (0.0025%); highest among the groups gnomAD compares: Admixed American, 0.067%; no homozygotes.

Submission:

CeGaT Center for Human Genetics Tuebingen
Classification: Likely benign. Last evaluated: 2026-01-01. Review status: criteria provided, single submitter. Criteria: CeGaT Center For Human Genetics Tuebingen Variant Classification Criteria Version 2. Collection method: clinical testing. Allele origin: germline. Affected: yes. Observed: 1 variant allele.
Comment: ZNF292: BP4, BP7